The following is an entry in ClinVar:

ClinVar aggregate classification (germline): Uncertain significance. Review status: criteria provided, multiple submitters, no conflicts (2 of 4 stars). 2 submissions from 2 submitters: Uncertain significance (2). Last evaluated 2025-03-01.

Conditions:
Hypertrophic cardiomyopathy 14. Identifiers: MedGen C2750467, MONDO:0013197, OMIM 613251.
Cardiovascular phenotype. Identifiers: MedGen CN230736.

Allele frequency attached by ClinVar (database versions not stated): gnomAD exomes below 0.00001; ExAC 0.00001; gnomAD 0.00001; TOPMed 0.00001.
gnomAD v4.1: 2 of 1,609,584 alleles (0.00012%); highest among the groups gnomAD compares: African/African-American, 0.0027%; no homozygotes.

Submissions (2):

Ambry Genetics
Classification: Uncertain significance for Cardiovascular phenotype. Last evaluated: 2025-03-01. Review status: criteria provided, single submitter. Criteria: Ambry Variant Classification Scheme 2023. Collection method: clinical testing. Allele origin: germline.

Labcorp Genetics (formerly Invitae), Labcorp
Classification: Uncertain significance for Hypertrophic cardiomyopathy 14. Last evaluated: 2022-08-23. Review status: criteria provided, single submitter. Criteria: Invitae Variant Classification Sherloc (09022015). Collection method: clinical testing. Allele origin: germline.
Comment: In summary, the available evidence is currently insufficient to determine the role of this variant in disease. Therefore, it has been classified as a Variant of Uncertain Significance. Algorithms developed to predict the effect of missense changes on protein structure and function are either unavailable or do not agree on the potential impact of this missense change (SIFT: "Deleterious"; PolyPhen-2: "Benign"; Align-GVGD: "Class C0"). ClinVar contains an entry for this variant (Variation ID: 660750). This variant has not been reported in the literature in individuals affected with MYH6-related conditions. This variant is present in population databases (rs776607405, gnomAD 0.007%). This sequence change replaces isoleucine, which is neutral and non-polar, with leucine, which is neutral and non-polar, at codon 1209 of the MYH6 protein (p.Ile1209Leu).

NM_002471.4(MYH6):c.3625A>C (p.Ile1209Leu)

Gene: MYH6 (myosin heavy chain 6; minus strand). Cytogenetic location: 14q11.2.
Variant type: single nucleotide variant.
Coding change: c.3625A>C on transcript NM_002471.4 (MANE Select); coding-DNA position 3625, A replaced by C.
Protein change: p.Ile1209Leu; replaces isoleucine 1209 with leucine.
Molecular consequence: missense variant.
Genome position (GRCh38, 1-based): chr14:23,390,164, T>G on the plus strand (A>C on the coding strand, the complement: MYH6 is on the minus strand). VCF-style: chr14-23390164-T-G. GRCh37 (hg19) VCF-style: chr14-23859373-T-G.
Other names: short protein forms I1209L.
Identifiers: ClinVar variation 660750 (VCV000660750.11), dbSNP rs776607405, ClinGen allele CA7115118.
Genomic context (GRCh38, chr14:23,390,164, plus strand): 5'-CCAGCTTGAACTCGCTCTTCTCCTTCTCCAGCTTCTGCTTCACCCGCTGCAGGTTGTCGA[T>G]CTGCTCGCCCAGCTCGGCCACGCTGTCGGCGTGCTTCTTGCGCAGGGCCGCGGCAGTGGC-3'
Protein context (NP_002462.2, residues 1199-1219): ADSVAELGEQ[Ile1209Leu]DNLQRVKQKL